The following is an entry in ClinVar:

ClinVar aggregate classification (germline): Pathogenic (1 of 4 stars; one submission).

Submission:

Labcorp Genetics (formerly Invitae), Labcorp
Classification: Pathogenic. Last evaluated: 2021-12-25. Review status: criteria provided, single submitter. Criteria: Invitae Variant Classification Sherloc (09022015). Collection method: clinical testing. Allele origin: germline.
Comment: This premature translational stop signal has been observed in individual(s) with clinical features of nail-patella syndrome (PMID: 31502745). For these reasons, this variant has been classified as Pathogenic. This variant is not present in population databases (gnomAD no frequency). This sequence change creates a premature translational stop signal (p.Glu73*) in the LMX1B gene. It is expected to result in an absent or disrupted protein product. Loss-of-function variants in LMX1B are known to be pathogenic (PMID: 9590287, 15498463).

Literature cited by the submitters: PubMed 31502745; PubMed 9590287; PubMed 15498463.

NM_001174147.2(LMX1B):c.217G>T (p.Glu73Ter)

Gene: LMX1B (LIM homeobox transcription factor 1 beta; plus strand). Cytogenetic location: 9q33.3.
Variant type: single nucleotide variant.
Coding change: c.217G>T on transcript NM_001174147.2 (MANE Select); coding-DNA position 217, G replaced by T.
Protein change: p.Glu73Ter; replaces glutamic acid 73 with a stop codon.
Molecular consequence: nonsense.
Genome position (GRCh38, 1-based): chr9:126,615,460, G>T. VCF-style: chr9-126615460-G-T. GRCh37 (hg19) VCF-style: chr9-129377739-G-T.
Other names: c.217G>T, p.Glu73Ter (NM_001174146.2, NM_002316.4); short protein forms E73*.
Identifiers: ClinVar variation 1917889 (VCV001917889.5), dbSNP rs999732757, ClinGen allele CA374910008.